The following is an entry in ClinVar:

ClinVar aggregate classification (germline): Conflicting classifications of pathogenicity. Review status: criteria provided, conflicting classifications (1 of 4 stars). 5 submissions from 5 submitters: Uncertain significance (3); Likely benign (1). 1 of the submissions does not count toward it. Last evaluated 2025-06-10.

Conditions:
IFT172-related disorder. Also called: IFT172-related disorders; IFT172-related condition.
Bardet-Biedl syndrome 20. Identifiers: MedGen C4310707, MONDO:0023670, OMIM 619471, MONDO:0014926.
Short-rib thoracic dysplasia 10 with or without polydactyly (SRTD10). Identifiers: Orphanet 474, MedGen C3810175, MONDO:0014284, OMIM 615630.
Retinitis pigmentosa 71 (RP71). Identifiers: Orphanet 791, MedGen C4225342, MONDO:0014618, OMIM 616394.
Inborn genetic diseases. Identifiers: MedGen C0950123, MeSH D030342.

Allele frequency attached by ClinVar (database versions not stated): gnomAD exomes 0.00003; ExAC 0.00004; gnomAD 0.00017 and 0.00019; TOPMed 0.00017.
gnomAD v4.1: 48 of 1,610,342 alleles (0.003%); highest among the groups gnomAD compares: African/African-American, 0.055%; no homozygotes.

Submissions (5):

Labcorp Genetics (formerly Invitae), Labcorp
Classification: Likely benign for Retinitis pigmentosa 71; Short-rib thoracic dysplasia 10 with or without polydactyly. Last evaluated: 2025-06-10. Review status: criteria provided, single submitter. Criteria: Invitae Variant Classification Sherloc (09022015). Collection method: clinical testing. Allele origin: germline.

Blueprint Genetics
Classification: Uncertain significance. Last evaluated: 2024-11-06. Review status: criteria provided, single submitter. Criteria: ACMG Guidelines, 2015. Collection method: clinical testing. Allele origin: germline.

Ambry Genetics
Classification: Uncertain significance for Inborn genetic diseases. Last evaluated: 2024-02-27. Review status: criteria provided, single submitter. Criteria: Ambry Variant Classification Scheme 2023. Collection method: clinical testing. Allele origin: germline.

Fulgent Genetics
Classification: Uncertain significance for Short-rib thoracic dysplasia 10 with or without polydactyly; Retinitis pigmentosa 71; Bardet-Biedl syndrome 20. Last evaluated: 2022-02-04. Review status: criteria provided, single submitter. Criteria: ACMG Guidelines, 2015. Collection method: clinical testing. Allele origin: unknown.

PreventionGenetics, part of Exact Sciences
Classification: Likely benign for IFT172-related condition. Last evaluated: 2020-03-30. Review status: no assertion criteria provided. Collection method: clinical testing. Allele origin: germline. Not counted in ClinVar's aggregate classification.
Comment: This variant is classified as likely benign based on ACMG/AMP sequence variant interpretation guidelines (Richards et al. 2015 PMID: 25741868, with internal and published modifications).

NM_015662.3(IFT172):c.235A>G (p.Thr79Ala)

Gene: IFT172 (intraflagellar transport 172; minus strand). Cytogenetic location: 2p23.3.
Variant type: single nucleotide variant.
Coding change: c.235A>G on transcript NM_015662.3 (MANE Select); coding-DNA position 235, A replaced by G.
Protein change: p.Thr79Ala; replaces threonine 79 with alanine.
Molecular consequence: missense variant.
Genome position (GRCh38, 1-based): chr2:27,485,079, T>C on the plus strand (A>G on the coding strand, the complement: IFT172 is on the minus strand). VCF-style: chr2-27485079-T-C. GRCh37 (hg19) VCF-style: chr2-27707946-T-C.
Other names: c.235A>G (NM_015662.1); short protein forms T79A.
Identifiers: ClinVar variation 836292 (VCV000836292.14), dbSNP rs752069515, ClinGen allele CA1581072.